The following is an entry in ClinVar:

NM_016507.4(CDK12):c.1561T>C (p.Ser521Pro)

Gene: CDK12 (cyclin dependent kinase 12; plus strand). Cytogenetic location: 17q12.
Variant type: single nucleotide variant.
Coding change: c.1561T>C on transcript NM_016507.4 (MANE Select); coding-DNA position 1561, T replaced by C.
Protein change: p.Ser521Pro; replaces serine 521 with proline.
Molecular consequence: missense variant.
Genome position (GRCh38, 1-based): chr17:39,471,393, T>C. VCF-style: chr17-39471393-T-C. GRCh37 (hg19) VCF-style: chr17-37627646-T-C.
Other names: c.1561T>C, p.Ser521Pro (NM_015083.4); short protein forms S521P.
Identifiers: ClinVar variation 3999320 (VCV003999320.1).
Genomic context (GRCh38, chr17:39,471,393, plus strand): 5'-AGAGACTCTAAACCCATAGCACTGAAAGAGGAGATTGTTACTCCAAAGGAGACAGAAACA[T>C]CAGAAAAGGAGACCCCTCCACCTCTTCCCACAATTGCTTCTCCCCCACCCCCTCTACCAA-3'
Protein context (NP_057591.2, residues 511-531): EIVTPKETET[Ser521Pro]EKETPPPLPT

ClinVar aggregate classification (germline): Uncertain significance (1 of 4 stars; one submission).

gnomAD v4.1: 4 of 1,613,828 alleles (0.00025%); highest among the groups gnomAD compares: Non-Finnish European, 0.00034%; no homozygotes.

Submission:

Ambry Genetics
Classification: Uncertain significance. Last evaluated: 2025-04-05. Review status: criteria provided, single submitter. Criteria: Ambry Variant Classification Scheme 2023. Collection method: clinical testing. Allele origin: germline.
Comment: The p.S521P variant (also known as c.1561T>C), located in coding exon 2 of the CDK12 gene, results from a T to C substitution at nucleotide position 1561. The serine at codon 521 is replaced by proline, an amino acid with similar properties. This amino acid position is conserved. In addition, this alteration is predicted to be tolerated by in silico analysis. Based on the available evidence, the clinical significance of this variant remains unclear.